The following is an entry in ClinVar:

ClinVar aggregate classification (germline): Uncertain significance (1 of 4 stars; one submission).

Conditions:
Inborn genetic diseases. Identifiers: MedGen C0950123, MeSH D030342.

Submission:

Ambry Genetics
Classification: Uncertain significance for Inborn genetic diseases. Last evaluated: 2026-07-08. Review status: criteria provided, single submitter. Criteria: Ambry Variant Classification Scheme 2023. Collection method: clinical testing. Allele origin: germline.
Comment: The c.2128G>A (p.V710I) alteration is located in exon 17 (coding exon 16) of the SLC4A1 gene. This alteration results from a G to A substitution at nucleotide position 2128, causing the valine (V) at amino acid position 710 to be replaced by an isoleucine (I). Based on data from gnomAD, the A allele has an overall frequency of 0.001% (2/250864) total alleles studied. The highest observed frequency was 0.006% (2/34586) of Latino alleles. Based on insufficient or conflicting evidence, the clinical significance of this alteration remains unclear.

NM_000342.4(SLC4A1):c.2128G>A (p.Val710Ile)

Gene: SLC4A1 (solute carrier family 4 member 1 (Diego blood group); minus strand). Cytogenetic location: 17q21.31.
Variant type: single nucleotide variant.
Coding change: c.2128G>A on transcript NM_000342.4 (MANE Select); coding-DNA position 2128, G replaced by A.
Protein change: p.Val710Ile; replaces valine 710 with isoleucine.
Molecular consequence: missense variant.
Genome position (GRCh38, 1-based): chr17:44,253,301, C>T on the plus strand (G>A on the coding strand, the complement: SLC4A1 is on the minus strand). VCF-style: chr17-44253301-C-T. GRCh37 (hg19) VCF-style: chr17-42330669-C-T.
Other names: short protein forms V710I.
Identifiers: ClinVar variation 5029641 (VCV005029641.1).
Genomic context (GRCh38, chr17:44,253,301, plus strand): 5'-GCACGGTGGTGGCACTGAGCCAGGGCATCCCAAAGAGGGCGGCCACCCCACCCATGCCTA[C>T]TACCAGCAGCAGGTCCAGGTGGAAGCCGGAGCCCTTGACCATCTTGCGCTCAGGTTTGCT-3'
Protein context (NP_000333.1, residues 700-720): SGFHLDLLLV[Val710Ile]GMGGVAALFG